The following is an entry in ClinVar:

NM_000026.4(ADSL):c.926G>A (p.Arg309His)

Gene: ADSL (adenylosuccinate lyase; plus strand). Cytogenetic location: 22q13.1.
Variant type: single nucleotide variant.
Coding change: c.926G>A on transcript NM_000026.4 (MANE Select); coding-DNA position 926, G replaced by A.
Protein change: p.Arg309His; replaces arginine 309 with histidine.
Molecular consequence: missense variant. On other transcripts: non-coding transcript variant (1).
Genome position (GRCh38, 1-based): chr22:40,361,551, G>A. VCF-style: chr22-40361551-G-A. GRCh37 (hg19) VCF-style: chr22-40757555-G-A.
Other names: c.926G>A, p.Arg309His (NM_001123378.3, NM_001363840.3); c.734G>A, p.Arg245His (NM_001317923.2); short protein forms R309H, R245H.
Identifiers: ClinVar variation 382334 (VCV000382334.5), dbSNP rs749817666, ClinGen allele CA10247869.
Genomic context (GRCh38, chr22:40,361,551, plus strand): 5'-CAAGTGCGATGCCATATAAGCGGAATCCCATGCGTTCAGAACGTTGCTGCAGTCTTGCCC[G>A]CCACCTGATGACCCTTGTCATGGACCCGCTACAGACAGCATCTGTCCAGTGGTTTGAACG-3'
Protein context (NP_000017.1, residues 299-319): MRSERCCSLA[Arg309His]HLMTLVMDPL

ClinVar aggregate classification (germline): Pathogenic/Likely pathogenic. Review status: criteria provided, multiple submitters, no conflicts (2 of 4 stars). 2 submissions from 2 submitters: Pathogenic (1); Likely pathogenic (1). Last evaluated 2024-07-11.

Conditions:
Adenylosuccinate lyase deficiency (ADSLD). Also called: ADSL DEFICIENCY. Identifiers: Orphanet 46, MedGen C0268126, MONDO:0007068, OMIM 103050.

Allele frequency attached by ClinVar (database versions not stated): ExAC 0.00001; gnomAD exomes 0.00001.
gnomAD v4.1: 8 of 1,614,118 alleles (0.0005%); highest among the groups gnomAD compares: East Asian, 0.0022%; no homozygotes.

Submissions (2):

Labcorp Genetics (formerly Invitae), Labcorp
Classification: Pathogenic for Adenylosuccinate lyase deficiency. Last evaluated: 2024-07-11. Review status: criteria provided, single submitter. Criteria: Invitae Variant Classification Sherloc (09022015). Collection method: clinical testing. Allele origin: germline.
Comment: This sequence change replaces arginine, which is basic and polar, with histidine, which is basic and polar, at codon 309 of the ADSL protein (p.Arg309His). This variant is present in population databases (rs749817666, gnomAD 0.006%). This missense change has been observed in individual(s) with adenylosuccinate lyase deficiency (PMID: 28768552, 32681428). In at least one individual the data is consistent with being in trans (on the opposite chromosome) from a pathogenic variant. ClinVar contains an entry for this variant (Variation ID: 382334). Advanced modeling of protein sequence and biophysical properties (such as structural, functional, and spatial information, amino acid conservation, physicochemical variation, residue mobility, and thermodynamic stability) performed at Invitae indicates that this missense variant is expected to disrupt ADSL protein function with a positive predictive value of 80%. For these reasons, this variant has been classified as Pathogenic.

GeneDx
Classification: Likely pathogenic. Last evaluated: 2024-01-17. Review status: criteria provided, single submitter. Criteria: GeneDx Variant Classification Process June 2021. Collection method: clinical testing. Allele origin: germline. Affected: yes.
Comment: Not observed at significant frequency in large population cohorts (gnomAD); In silico analysis supports that this missense variant has a deleterious effect on protein structure/function; This variant is associated with the following publications: (PMID: 34426522, 28768552, 32681428, 33648541, 32169601, 37583270)

Literature cited by the submitters: PubMed 28768552 (cited by Labcorp Genetics (formerly Invitae), Labcorp); PubMed 32681428 (cited by Labcorp Genetics (formerly Invitae), Labcorp).